The following is an entry in ClinVar:

ClinVar aggregate classification (germline): Uncertain significance (1 of 4 stars; one submission).

Submission:

Labcorp Genetics (formerly Invitae), Labcorp
Classification: Uncertain significance. Last evaluated: 2022-08-27. Review status: criteria provided, single submitter. Criteria: Invitae Variant Classification Sherloc (09022015). Collection method: clinical testing. Allele origin: germline.
Comment: In summary, the available evidence is currently insufficient to determine the role of this variant in disease. Therefore, it has been classified as a Variant of Uncertain Significance. Algorithms developed to predict the effect of missense changes on protein structure and function are either unavailable or do not agree on the potential impact of this missense change (SIFT: "Not Available"; PolyPhen-2: "Possibly Damaging"; Align-GVGD: "Not Available"). This variant has not been reported in the literature in individuals affected with IDH3B-related conditions. This variant is not present in population databases (gnomAD no frequency). This sequence change replaces leucine, which is neutral and non-polar, with isoleucine, which is neutral and non-polar, at codon 224 of the IDH3B protein (p.Leu224Ile).

NM_006899.5(IDH3B):c.670C>A (p.Leu224Ile)

Gene: IDH3B (isocitrate dehydrogenase (NAD(+)) 3 non-catalytic subunit beta; minus strand). Cytogenetic location: 20p13.
Variant type: single nucleotide variant.
Coding change: c.670C>A on transcript NM_006899.5 (MANE Select); coding-DNA position 670, C replaced by A.
Protein change: p.Leu224Ile; replaces leucine 224 with isoleucine.
Molecular consequence: missense variant. On other transcripts: non-coding transcript variant (1).
Genome position (GRCh38, 1-based): chr20:2,660,361, G>T on the plus strand (C>A on the coding strand, the complement: IDH3B is on the minus strand). VCF-style: chr20-2660361-G-T. GRCh37 (hg19) VCF-style: chr20-2641007-G-T.
Other names: c.670C>A, p.Leu224Ile (NM_001258384.3, NM_001330763.2, NM_174855.4); short protein forms L224I.
Identifiers: ClinVar variation 1962032 (VCV001962032.3), dbSNP rs2514759554, ClinGen allele CA408036820.